The following is an entry in ClinVar:

ClinVar aggregate classification (germline): Uncertain significance (1 of 4 stars; one submission).

Conditions:
Cohen syndrome (COH1). Also called: Cutis verticis gyrata, retinitis pigmentosa, and sensorineural deafness; PEPPER SYNDROME. Identifiers: Orphanet 193, MedGen C0265223, MONDO:0008999, OMIM 216550.

Allele frequency attached by ClinVar (database versions not stated): gnomAD exomes below 0.00001.
gnomAD v4.1: 4 of 1,613,598 alleles (0.00025%); highest among the groups gnomAD compares: African/African-American, 0.0013%; no homozygotes.

Submission:

Labcorp Genetics (formerly Invitae), Labcorp
Classification: Uncertain significance for Cohen syndrome. Last evaluated: 2024-05-28. Review status: criteria provided, single submitter. Criteria: Invitae Variant Classification Sherloc (09022015). Collection method: clinical testing. Allele origin: germline.
Comment: This sequence change replaces asparagine, which is neutral and polar, with serine, which is neutral and polar, at codon 3113 of the VPS13B protein (p.Asn3113Ser). This variant is not present in population databases (gnomAD no frequency). This variant has not been reported in the literature in individuals affected with VPS13B-related conditions. ClinVar contains an entry for this variant (Variation ID: 969107). Advanced modeling of protein sequence and biophysical properties (such as structural, functional, and spatial information, amino acid conservation, physicochemical variation, residue mobility, and thermodynamic stability) performed at Invitae indicates that this missense variant is expected to disrupt VPS13B protein function with a positive predictive value of 80%. In summary, the available evidence is currently insufficient to determine the role of this variant in disease. Therefore, it has been classified as a Variant of Uncertain Significance.

NM_152564.5(VPS13B):c.9263A>G (p.Asn3088Ser)

Gene: VPS13B (vacuolar protein sorting 13 homolog B; plus strand). Cytogenetic location: 8q22.2.
Variant type: single nucleotide variant.
Coding change: c.9263A>G on transcript NM_152564.5 (MANE Select); coding-DNA position 9263, A replaced by G.
Protein change: p.Asn3088Ser; replaces asparagine 3088 with serine.
Molecular consequence: missense variant.
Genome position (GRCh38, 1-based): chr8:99,823,911, A>G. VCF-style: chr8-99823911-A-G. GRCh37 (hg19) VCF-style: chr8-100836139-A-G.
Other names: c.9338A>G, p.Asn3113Ser (NM_017890.5); short protein forms N3088S, N3113S.
Identifiers: ClinVar variation 969107 (VCV000969107.6), dbSNP rs1814519813, ClinGen allele CA371780224.